The following is an entry in ClinVar:

NM_001267550.2(TTN):c.91970T>C (p.Ile30657Thr)

Genes: TTN (titin; minus strand), TTN-AS1 (TTN antisense RNA 1; plus strand). Cytogenetic location: 2q31.2.
Variant type: single nucleotide variant.
Coding change: c.91970T>C on transcript NM_001267550.2 (MANE Select); coding-DNA position 91970, T replaced by C.
Protein change: p.Ile30657Thr; replaces isoleucine 30657 with threonine.
Molecular consequence: missense variant.
Genome position (GRCh38, 1-based): chr2:178,549,752, A>G on the plus strand (T>C on the coding strand, the complement: TTN is on the minus strand). VCF-style: chr2-178549752-A-G. GRCh37 (hg19) VCF-style: chr2-179414479-A-G.
Other names: c.87047T>C, p.Ile29016Thr (NM_001256850.1); c.64775T>C, p.Ile21592Thr (NM_003319.4); c.84266T>C, p.Ile28089Thr (NM_133378.4); c.65150T>C, p.Ile21717Thr (NM_133432.3); c.65351T>C, p.Ile21784Thr (NM_133437.4); short protein forms I21592T, I21717T, I21784T, I28089T, I29016T, I30657T.
Identifiers: ClinVar variation 1708018 (VCV001708018.2), dbSNP rs942083769, ClinGen allele CA60974876.

ClinVar aggregate classification (germline): Uncertain significance (1 of 4 stars; one submission).

Allele frequency attached by ClinVar (database versions not stated): gnomAD exomes below 0.00001; gnomAD 0.00001; TOPMed 0.00001.
gnomAD v4.1: 7 of 1,613,630 alleles (0.00043%); highest among the groups gnomAD compares: Admixed American, 0.0017%; no homozygotes.

Submission:

GeneDx
Classification: Uncertain significance. Last evaluated: 2022-03-25. Review status: criteria provided, single submitter. Criteria: GeneDx Variant Classification Process June 2021. Collection method: clinical testing. Allele origin: germline. Affected: yes.
Comment: Not observed at significant frequency in large population cohorts (gnomAD); Missense variant in a gene in which most reported pathogenic variants are truncating/loss of function; Has not been previously published as pathogenic or benign to our knowledge